The following is an entry in ClinVar:

NM_000744.7(CHRNA4):c.42G>A (p.Pro14=)

Genes: CHRNA4 (cholinergic receptor nicotinic alpha 4 subunit; minus strand), LOC100130587 (uncharacterized LOC100130587; plus strand). Cytogenetic location: 20q13.33.
Variant type: single nucleotide variant.
Coding change: c.42G>A on transcript NM_000744.7 (MANE Select); coding-DNA position 42, G replaced by A.
Protein change: p.Pro14=; no amino-acid change (proline 14 retained).
Molecular consequence: synonymous variant. On other transcripts: non-coding transcript variant (1), intron variant (1).
Genome position (GRCh38, 1-based): chr20:63,361,124, C>T on the plus strand (G>A on the coding strand, the complement: CHRNA4 is on the minus strand). VCF-style: chr20-63361124-C-T. GRCh37 (hg19) VCF-style: chr20-61992476-C-T.
Other names: c.-471+53G>A (NM_001256573.2).
Identifiers: ClinVar variation 379362 (VCV000379362.30), dbSNP rs565990502, ClinGen allele CA9958004.
Genomic context (GRCh38, chr20:63,361,124, plus strand): 5'-GGCCCATCCCGCGCCCCGTAACTTACCGCGCAGGAGGCCGGTCCCCAGAAGCAGCAGCAG[C>T]GGCGGCAGCAGCCGCGGCGCTCCGGGGCCCCCTAGCTCCATGGCGCACGCACCTCGCGGG-3'
Protein context (NP_000735.1, residues 4-24): GGPGAPRLLP[Pro14=]LLLLLGTGLL

ClinVar aggregate classification (germline): Benign/Likely benign. Review status: criteria provided, multiple submitters, no conflicts (2 of 4 stars). 5 submissions from 5 submitters: Benign (2); Likely benign (3). Last evaluated 2026-01-05.

Conditions:
Inborn genetic diseases. Identifiers: MedGen C0950123, MeSH D030342.
Familial sleep-related hypermotor epilepsy. Also called: Autosomal Dominant Sleep-Related Hypermotor (Hyperkinetic) Epilepsy. Identifiers: Orphanet 98784, MedGen C3696898, MONDO:0000030.

Allele frequency attached by ClinVar (database versions not stated): gnomAD exomes 0.00006 and 0.00011; ExAC 0.00021; 1000 Genomes Project 30x 0.00031; 1000 Genomes Project 0.00040; gnomAD 0.00046 and 0.00048; TOPMed 0.00057.
gnomAD v4.1: 164 of 1,477,786 alleles (0.011%); highest among the groups gnomAD compares: African/African-American, 0.21%; no homozygotes.

Submissions (5):

Labcorp Genetics (formerly Invitae), Labcorp
Classification: Likely benign. Last evaluated: 2026-01-05. Review status: criteria provided, single submitter. Criteria: Invitae Variant Classification Sherloc (09022015). Collection method: clinical testing. Allele origin: germline.

CeGaT Center for Human Genetics Tuebingen
Classification: Likely benign. Last evaluated: 2025-01-01. Review status: criteria provided, single submitter. Criteria: CeGaT Center For Human Genetics Tuebingen Variant Classification Criteria Version 2. Collection method: clinical testing. Allele origin: germline. Affected: yes. Observed: 1 variant allele.
Comment: CHRNA4: BP4, BP7

GeneDx
Classification: Benign. Last evaluated: 2020-09-10. Review status: criteria provided, single submitter. Criteria: GeneDx Variant Classification Process June 2021. Collection method: clinical testing. Allele origin: germline. Affected: yes.

Ambry Genetics
Classification: Benign for Inborn genetic diseases. Last evaluated: 2019-03-02. Review status: criteria provided, single submitter. Criteria: Ambry Variant Classification Scheme 2023. Collection method: clinical testing. Allele origin: germline.

Breakthrough Genomics
Classification: Likely benign. Review status: criteria provided, single submitter. Criteria: ACMG Guidelines, 2015. Collection method: not provided. Allele origin: germline. Inheritance: Autosomal dominant inheritance. Affected: yes.